The following is an entry in ClinVar:

NM_000179.3(MSH6):c.3049A>C (p.Asn1017His)

Gene: MSH6 (mutS homolog 6; plus strand). Cytogenetic location: 2p16.3.
Variant type: single nucleotide variant.
Coding change: c.3049A>C on transcript NM_000179.3 (MANE Select); coding-DNA position 3049, A replaced by C.
Protein change: p.Asn1017His; replaces asparagine 1017 with histidine.
Molecular consequence: missense variant.
Genome position (GRCh38, 1-based): chr2:47,801,032, A>C. VCF-style: chr2-47801032-A-C. GRCh37 (hg19) VCF-style: chr2-48028171-A-C.
Other names: c.2659A>C, p.Asn887His (NM_001281492.2); c.2143A>C, p.Asn715His (NM_001281493.2, NM_001281494.2); short protein forms N1017H, N715H, N887H.
Identifiers: ClinVar variation 410526 (VCV000410526.13), dbSNP rs1060502943, ClinGen allele CA16610948.

ClinVar aggregate classification (germline): Uncertain significance. Review status: criteria provided, multiple submitters, no conflicts (2 of 4 stars). 3 submissions from 3 submitters: Uncertain significance (3). Last evaluated 2026-04-03.

Conditions:
Hereditary nonpolyposis colorectal neoplasms. Identifiers: MedGen C0009405, MeSH D003123.
Hereditary cancer-predisposing syndrome. Also called: Hereditary Cancer Syndrome; Tumor predisposition; Hereditary neoplastic syndrome; Neoplastic Syndromes, Hereditary. Identifiers: Orphanet 140162, MedGen C0027672, MeSH D009386, MONDO:0015356.

Submissions (3):

Ambry Genetics
Classification: Uncertain significance for Hereditary cancer-predisposing syndrome. Last evaluated: 2026-04-03. Review status: criteria provided, single submitter. Criteria: Ambry Variant Classification Scheme 2023. Collection method: clinical testing. Allele origin: germline.
Comment: The p.N1017H variant (also known as c.3049A>C), located in coding exon 4 of the MSH6 gene, results from an A to C substitution at nucleotide position 3049. The asparagine at codon 1017 is replaced by histidine, an amino acid with similar properties. This amino acid position is conserved. In addition, this alteration is predicted to be tolerated by in silico analysis. Based on the available evidence, the clinical significance of this variant remains unclear.

Color Diagnostics, LLC DBA Color Health
Classification: Uncertain significance for Hereditary cancer-predisposing syndrome. Last evaluated: 2024-03-07. Review status: criteria provided, single submitter. Criteria: ACMG Guidelines, 2015. Collection method: clinical testing. Allele origin: germline.
Comment: This missense variant replaces asparagine with histidine at codon 1017 of the MSH6 protein. Computational prediction suggests that this variant may not impact protein structure and function (internally defined REVEL score threshold <= 0.5, PMID: 27666373). To our knowledge, functional studies have not been reported for this variant. This variant has not been reported in individuals affected with MSH6-related disorders in the literature. This variant has not been identified in the general population by the Genome Aggregation Database (gnomAD). The available evidence is insufficient to determine the role of this variant in disease conclusively. Therefore, this variant is classified as a Variant of Uncertain Significance.

Labcorp Genetics (formerly Invitae), Labcorp
Classification: Uncertain significance for Hereditary nonpolyposis colorectal neoplasms. Last evaluated: 2016-10-28. Review status: criteria provided, single submitter. Criteria: Invitae Variant Classification Sherloc (09022015). Collection method: clinical testing. Allele origin: germline.
Comment: This sequence change replaces asparagine with histidine at codon 1017 of the MSH6 protein (p.Asn1017His). The asparagine residue is weakly conserved and there is a small physicochemical difference between asparagine and histidine. This variant is not present in population databases (ExAC no frequency) and has not been reported in the literature in individuals with a MSH6-related disease. Algorithms developed to predict the effect of missense changes on protein structure and function do not agree on the potential impact of this missense change (SIFT: "Tolerated"; PolyPhen-2: "Possibly Damaging"; Align-GVGD: "Class C0"). In summary, this variant is a novel missense change with uncertain impact on protein function. It has been classified as a Variant of Uncertain Significance.